The following is an entry in ClinVar:

ClinVar aggregate classification (germline): Likely benign. Review status: criteria provided, multiple submitters, no conflicts (2 of 4 stars). 4 submissions from 4 submitters: Likely benign (4). Last evaluated 2026-01-11.

Conditions:
COL18A1-related disorder. Also called: COL18A1-related disorders; COL18A1-related condition.
Inborn genetic diseases. Identifiers: MedGen C0950123, MeSH D030342.

Allele frequency attached by ClinVar (database versions not stated): gnomAD 0.00001; TOPMed 0.00003; gnomAD exomes 0.00007; ExAC 0.00008; 1000 Genomes Project 30x 0.00016; 1000 Genomes Project 0.00020.
gnomAD v4.1: 76 of 1,611,080 alleles (0.0047%); highest among the groups gnomAD compares: South Asian, 0.065%; 1 homozygote.

Submissions (4):

Labcorp Genetics (formerly Invitae), Labcorp
Classification: Likely benign. Last evaluated: 2026-01-11. Review status: criteria provided, single submitter. Criteria: Invitae Variant Classification Sherloc (09022015). Collection method: clinical testing. Allele origin: germline.

PreventionGenetics, part of Exact Sciences
Classification: Likely benign for COL18A1-related condition. Last evaluated: 2025-05-28. Review status: criteria provided, single submitter. Criteria: ACMG Guidelines, 2015. Collection method: clinical testing. Allele origin: germline.
Comment: This variant is classified as likely benign based on ACMG/AMP sequence variant interpretation guidelines (Richards et al. 2015 PMID: 25741868, with internal and published modifications).

Ambry Genetics
Classification: Likely benign for Inborn genetic diseases. Last evaluated: 2025-04-01. Review status: criteria provided, single submitter. Criteria: Ambry Variant Classification Scheme 2023. Collection method: clinical testing. Allele origin: germline.

Blueprint Genetics
Classification: Likely benign. Last evaluated: 2024-10-22. Review status: criteria provided, single submitter. Criteria: ACMG Guidelines, 2015. Collection method: clinical testing. Allele origin: germline.

NM_001379500.1(COL18A1):c.912G>A (p.Thr304=)

Gene: COL18A1 (collagen type XVIII alpha 1 chain; plus strand). Cytogenetic location: 21q22.3.
Variant type: single nucleotide variant.
Coding change: c.912G>A on transcript NM_001379500.1 (MANE Select); coding-DNA position 912, G replaced by A.
Protein change: p.Thr304=; no amino-acid change (threonine 304 retained).
Molecular consequence: synonymous variant.
Genome position (GRCh38, 1-based): chr21:45,476,464, G>A. VCF-style: chr21-45476464-G-A. GRCh37 (hg19) VCF-style: chr21-46896378-G-A.
Other names: NM_130445.2:c.912G>A; c.1452G>A, p.Thr484= (NM_030582.4); c.2157G>A, p.Thr719= (NM_130444.3); c.1452G>A (NM_030582.3).
Identifiers: ClinVar variation 1614862 (VCV001614862.11), dbSNP rs141548934, ClinGen allele CA10065983.